The following is an entry in ClinVar:

ClinVar aggregate classification (germline): Pathogenic/Likely pathogenic. Review status: criteria provided, multiple submitters, no conflicts (2 of 4 stars). 3 submissions from 3 submitters: Pathogenic (2); Likely pathogenic (1). Last evaluated 2025-09-09.

Conditions:
Pyknodysostosis. Also called: Pycnodysostosis. Identifiers: Orphanet 763, MedGen C0238402, MONDO:0009940, OMIM 265800.

Submissions (3):

Natera, Inc.
Classification: Likely pathogenic for Pyknodysostosis. Last evaluated: 2025-09-09. Review status: criteria provided, single submitter. Criteria: Natera Variant Classification Schema (03/2026). Collection method: clinical testing. Allele origin: germline.
Comment: The c.737_738del variant in CTSK is a frameshift variant predicted to shift the reading frame beginning at codon 246 and leads to a stop codon 4 codons downstream. This variant is expected to result in nonsense mediated decay, truncation, or a dysfunctional protein product. This variant is rare in the general population with a frequency below the threshold expected for the associated phenotype(s). Given the available evidence, this variant is classified as Likely Pathogenic.

Baylor Genetics
Classification: Pathogenic for Pyknodysostosis. Last evaluated: 2024-01-25. Review status: criteria provided, single submitter. Criteria: ACMG Guidelines, 2015. Collection method: clinical testing. Allele origin: unknown.

Labcorp Genetics (formerly Invitae), Labcorp
Classification: Pathogenic. Last evaluated: 2022-08-25. Review status: criteria provided, single submitter. Criteria: Invitae Variant Classification Sherloc (09022015). Collection method: clinical testing. Allele origin: germline.
Comment: For these reasons, this variant has been classified as Pathogenic. This premature translational stop signal has been observed in individual(s) with clinical features of pycnodysostosis (PMID: 24269275). This variant is present in population databases (rs750699844, gnomAD 0.0009%). This sequence change creates a premature translational stop signal (p.Ser246Cysfs*4) in the CTSK gene. It is expected to result in an absent or disrupted protein product. Loss-of-function variants in CTSK are known to be pathogenic (PMID: 12125807, 21569238).

Literature cited by the submitters: PubMed 24269275 (cited by Labcorp Genetics (formerly Invitae), Labcorp); PubMed 12125807 (cited by Labcorp Genetics (formerly Invitae), Labcorp); PubMed 21569238 (cited by Labcorp Genetics (formerly Invitae), Labcorp).

NM_000396.4(CTSK):c.737_738del (p.Ser246fs)

Gene: CTSK (cathepsin K; minus strand). Cytogenetic location: 1q21.3.
Variant type: Microsatellite.
Coding change: c.737_738del on transcript NM_000396.4 (MANE Select); coding-DNA positions 737 to 738, 2 bases deleted (CT; older notation c.737_738delCT).
Protein change: p.Ser246fs; shifts the reading frame from serine 246.
Molecular consequence: frameshift variant.
Genome position (GRCh38, 1-based): chr1:150,799,590-150,799,591, AG deleted on the plus strand (CT on the coding strand, the reverse complement: CTSK is on the minus strand); deleting any 2 consecutive bases within chr1:150,799,590-150,799,594 gives the same sequence; the c. name uses the placement nearest the transcript's 3' end. VCF-style (leftmost placement, unchanged base first): chr1-150799589-CAG-C. GRCh37 (hg19) VCF-style: chr1-150772065-CAG-C.
Other names: c.737_738del (NM_000396.3); short protein forms S246fs.
Identifiers: ClinVar variation 2202839 (VCV002202839.7), dbSNP rs750699844, ClinGen allele CA1080444.